The following is an entry in ClinVar:

NM_016729.3(FOLR1):c.451A>G (p.Thr151Ala)

Genes: FOLR1 (folate receptor alpha; plus strand), FOLR1-AS1 (FOLR1 antisense RNA 1; minus strand). Cytogenetic location: 11q13.4.
Variant type: single nucleotide variant.
Coding change: c.451A>G on transcript NM_016729.3 (MANE Select); coding-DNA position 451, A replaced by G.
Protein change: p.Thr151Ala; replaces threonine 151 with alanine.
Molecular consequence: missense variant.
Genome position (GRCh38, 1-based): chr11:72,195,705, A>G. VCF-style: chr11-72195705-A-G. GRCh37 (hg19) VCF-style: chr11-71906749-A-G.
Other names: c.451A>G, p.Thr151Ala (NM_000802.3, NM_016724.3, NM_016725.3); short protein forms T151A.
Identifiers: ClinVar variation 578648 (VCV000578648.12), dbSNP rs765019885, ClinGen allele CA6169194.

ClinVar aggregate classification (germline): Uncertain significance. Review status: criteria provided, multiple submitters, no conflicts (2 of 4 stars). 2 submissions from 2 submitters: Uncertain significance (2). Last evaluated 2024-02-17.

Conditions:
Cerebral folate transport deficiency. Also called: FOLATE RECEPTOR DEFICIENCY; NEURODEGENERATION DUE TO CEREBRAL FOLATE TRANSPORT DEFICIENCY; FOLR1-Related Cerebral Folate Transport Deficiency; Cerebral folate deficiency syndrome; Neurodegenerative syndrome due to cerebral folate transport deficiency. Identifiers: Orphanet 217382, MedGen C2751584, MONDO:0013110, OMIM 613068. Disease mechanism: loss of function.

Allele frequency attached by ClinVar (database versions not stated): ExAC 0.00001; gnomAD 0.00002; gnomAD exomes 0.00002; TOPMed 0.00002.
gnomAD v4.1: 26 of 1,613,938 alleles (0.0016%); highest among the groups gnomAD compares: Non-Finnish European, 0.0021%; no homozygotes.

Submissions (2):

Labcorp Genetics (formerly Invitae), Labcorp
Classification: Uncertain significance for Cerebral folate transport deficiency. Last evaluated: 2024-02-17. Review status: criteria provided, single submitter. Criteria: Invitae Variant Classification Sherloc (09022015). Collection method: clinical testing. Allele origin: germline.
Comment: This sequence change replaces threonine, which is neutral and polar, with alanine, which is neutral and non-polar, at codon 151 of the FOLR1 protein (p.Thr151Ala). This variant is present in population databases (rs765019885, gnomAD no frequency). This variant has not been reported in the literature in individuals affected with FOLR1-related conditions. ClinVar contains an entry for this variant (Variation ID: 578648). Advanced modeling of protein sequence and biophysical properties (such as structural, functional, and spatial information, amino acid conservation, physicochemical variation, residue mobility, and thermodynamic stability) performed at Invitae indicates that this missense variant is not expected to disrupt FOLR1 protein function with a negative predictive value of 80%. In summary, the available evidence is currently insufficient to determine the role of this variant in disease. Therefore, it has been classified as a Variant of Uncertain Significance.

GeneDx
Classification: Uncertain significance. Last evaluated: 2023-10-25. Review status: criteria provided, single submitter. Criteria: GeneDx Variant Classification Process June 2021. Collection method: clinical testing. Allele origin: germline. Affected: yes.
Comment: Not observed at significant frequency in large population cohorts (gnomAD); In silico analysis supports that this missense variant has a deleterious effect on protein structure/function; Has not been previously published as pathogenic or benign to our knowledge